The following is an entry in ClinVar:

NM_004984.4(KIF5A):c.610C>T (p.Arg204Trp)

Gene: KIF5A (kinesin family member 5A; plus strand). Cytogenetic location: 12q13.3.
Variant type: single nucleotide variant.
Coding change: c.610C>T on transcript NM_004984.4 (MANE Select); coding-DNA position 610, C replaced by T.
Protein change: p.Arg204Trp; replaces arginine 204 with tryptophan.
Molecular consequence: missense variant.
Genome position (GRCh38, 1-based): chr12:57,567,514, C>T. VCF-style: chr12-57567514-C-T. GRCh37 (hg19) VCF-style: chr12-57961297-C-T.
Other names: c.343C>T, p.Arg115Trp (NM_001354705.2); short protein forms R204W, R115W.
Identifiers: ClinVar variation 424651 (VCV000424651.50), dbSNP rs1555177629, ClinGen allele CA385499050.

ClinVar aggregate classification (germline): Pathogenic/Likely pathogenic. Review status: criteria provided, multiple submitters, no conflicts (2 of 4 stars). 8 submissions from 8 submitters: Pathogenic (7); Likely pathogenic (1). Last evaluated 2025-11-04.

Conditions:
KIF5A-related disorder. Also called: KIF5A-related condition; KIF5A-related disorders.
Spastic paraplegia. Identifiers: MedGen C0037772, HP:0001258.
Hereditary spastic paraplegia. Also called: Familial spastic paraparesis. Identifiers: Orphanet 685, MedGen C0037773, MONDO:0019064. Disease mechanism: loss of function.
Hereditary spastic paraplegia 10 (SPG10). Also called: SPASTIC PARAPLEGIA 10 WITH OR WITHOUT PERIPHERAL NEUROPATHY; SPASTIC PARAPLEGIA 10 WITH PERIPHERAL NEUROPATHY; SPASTIC PARAPLEGIA 10, AUTOSOMAL DOMINANT. Identifiers: Orphanet 100991, MedGen C1858712, MONDO:0011408, OMIM 604187.

Allele frequency attached by ClinVar (database versions not stated): gnomAD exomes below 0.00001.
gnomAD v4.1: 1 of 1,613,272 alleles (0.000062%); highest among the groups gnomAD compares: Non-Finnish European, 0.000085%; no homozygotes.

Submissions (8):

GeneDx
Classification: Pathogenic. Last evaluated: 2025-11-04. Review status: criteria provided, single submitter. Criteria: GeneDx Variant Classification Process June 2021. Collection method: clinical testing. Allele origin: germline. Affected: yes.
Comment: Published functional studies demonstrate a damaging effect by showing significantly reduced catalytic and mechanical activities of KIF5A protein expressing the variant p.R204W (PMID: 28678816); Not observed at significant frequency in large population cohorts (gnomAD); In silico analysis supports that this missense variant has a deleterious effect on protein structure/function; This variant is associated with the following publications: (PMID: 33059505, 25008398, 30057544, 26543653, 29892902, 28832565, 31422367, 18853458, 21623771, Mahase2020[Computational], 34983064, 35578252, 35464835, Jesus2025[CaseReport], 37524782, 22785106, 28678816, 18500496)

Labcorp Genetics (formerly Invitae), Labcorp
Classification: Pathogenic for Spastic paraplegia. Last evaluated: 2024-02-29. Review status: criteria provided, single submitter. Criteria: Invitae Variant Classification Sherloc (09022015). Collection method: clinical testing. Allele origin: germline.
Comment: This sequence change replaces arginine, which is basic and polar, with tryptophan, which is neutral and slightly polar, at codon 204 of the KIF5A protein (p.Arg204Trp). This variant is not present in population databases (gnomAD no frequency). This missense change has been observed in individuals with autosomal dominant hereditary spastic paraplegia and axonal sensorimotor polyneuropathy (CMT2) (PMID: 18500496, 25008398, 28832565). It has also been observed to segregate with disease in related individuals. ClinVar contains an entry for this variant (Variation ID: 424651). Advanced modeling of protein sequence and biophysical properties (such as structural, functional, and spatial information, amino acid conservation, physicochemical variation, residue mobility, and thermodynamic stability) performed at Invitae indicates that this missense variant is expected to disrupt KIF5A protein function with a positive predictive value of 80%. This variant disrupts the p.Arg204 amino acid residue in KIF5A. Other variant(s) that disrupt this residue have been determined to be pathogenic (PMID: 18853458, 21623771, 25008398, 26543653). This suggests that this residue is clinically significant, and that variants that disrupt this residue are likely to be disease-causing. For these reasons, this variant has been classified as Pathogenic.

Blueprint Genetics
Classification: Pathogenic for KIF5A-related disorders. Last evaluated: 2024-02-19. Review status: criteria provided, single submitter. Criteria: ACMG Guidelines, 2015. Collection method: clinical testing. Allele origin: germline. Affected: yes. Observed: 1 variant allele.

Athena Diagnostics
Classification: Pathogenic. Last evaluated: 2023-08-09. Review status: criteria provided, single submitter. Criteria: Athena Diagnostics Criteria. Collection method: clinical testing. Allele origin: unknown.
Comment: This variant has been identified in multiple unrelated individuals with autosomal dominant spastic paraplegia. This variant associates with disease in multiple families. This variant has not been reported in large, multi-ethnic general populations.

CeGaT Center for Human Genetics Tuebingen
Classification: Pathogenic. Last evaluated: 2023-01-01. Review status: criteria provided, single submitter. Criteria: CeGaT Center For Human Genetics Tuebingen Variant Classification Criteria Version 2. Collection method: clinical testing. Allele origin: germline. Affected: yes. Observed: 2 variant alleles.
Comment: KIF5A: PM1, PM2, PP1:Moderate, PS4:Moderate, PP2, PP3, PP4, PS3:Supporting

Unit for Genetic & Epidemiological Research on Neurological Disorders, Instituto de Investigação e Inovação em Saúde
Classification: Pathogenic for Hereditary spastic paraplegia. Last evaluated: 2017-03-07. Review status: criteria provided, single submitter. Criteria: Morais et al. (Eur J Hum Genet. 2017). Collection method: research. Allele origin: inherited. Affected: yes.

Genome Diagnostics Laboratory, The Hospital for Sick Children
Classification: Likely pathogenic for Hereditary spastic paraplegia. Last evaluated: 2016-12-12. Review status: criteria provided, single submitter. Criteria: ACMG Guidelines, 2015. Collection method: clinical testing. Allele origin: germline. Affected: yes.

Paris Brain Institute, Inserm - ICM
Classification: Pathogenic for Hereditary spastic paraplegia 10. Review status: criteria provided, single submitter. Criteria: ACMG Guidelines, 2015. Collection method: clinical testing. Allele origin: unknown. Affected: yes. Observed: 1 variant allele.

Literature cited by the submitters: PubMed 18500496 (cited by Labcorp Genetics (formerly Invitae), Labcorp and Athena Diagnostics); PubMed 25008398 (cited by Labcorp Genetics (formerly Invitae), Labcorp and Athena Diagnostics); PubMed 28832565 (cited by Labcorp Genetics (formerly Invitae), Labcorp and Athena Diagnostics); PubMed 18853458 (cited by Labcorp Genetics (formerly Invitae), Labcorp); PubMed 21623771 (cited by Labcorp Genetics (formerly Invitae), Labcorp); PubMed 26543653 (cited by Labcorp Genetics (formerly Invitae), Labcorp); PubMed 33059505 (cited by Athena Diagnostics); PubMed 30057544 (cited by Athena Diagnostics); PubMed 29892902 (cited by Athena Diagnostics); PubMed 35578252 (cited by Athena Diagnostics); PubMed 37524782 (cited by Athena Diagnostics); PubMed 28678816 (cited by Athena Diagnostics).